The following is an entry in ClinVar:

NM_004281.4(BAG3):c.1184G>A (p.Arg395Lys)

Gene: BAG3 (BAG cochaperone 3; plus strand). Cytogenetic location: 10q26.11.
Variant type: single nucleotide variant.
Coding change: c.1184G>A on transcript NM_004281.4 (MANE Select); coding-DNA position 1184, G replaced by A.
Protein change: p.Arg395Lys; replaces arginine 395 with lysine.
Molecular consequence: missense variant.
Genome position (GRCh38, 1-based): chr10:119,676,738, G>A. VCF-style: chr10-119676738-G-A. GRCh37 (hg19) VCF-style: chr10-121436250-G-A.
Other names: p.Arg395Lys; short protein forms R395K.
Identifiers: ClinVar variation 841454 (VCV000841454.12), dbSNP rs111787446, ClinGen allele CA5716506.

ClinVar aggregate classification (germline): Conflicting classifications of pathogenicity. Review status: criteria provided, conflicting classifications (1 of 4 stars). 4 submissions from 4 submitters: Uncertain significance (2); Likely benign (2). Last evaluated 2025-09-04.

Conditions:
Cardiovascular phenotype. Identifiers: MedGen CN230736.
Dilated cardiomyopathy 1HH (CMD1HH). Identifiers: Orphanet 154, MedGen C3151293, MONDO:0013479, OMIM 613881.
Myofibrillar myopathy 6. Identifiers: Orphanet 199340, MedGen C2751831, MONDO:0013061, OMIM 612954.

Allele frequency attached by ClinVar (database versions not stated): gnomAD exomes below 0.00001 and 0.00002; TOPMed below 0.00001; gnomAD 0.00001; ExAC 0.00002.

Submissions (4):

Labcorp Genetics (formerly Invitae), Labcorp
Classification: Uncertain significance for Dilated cardiomyopathy 1HH; Myofibrillar myopathy 6. Last evaluated: 2025-09-04. Review status: criteria provided, single submitter. Criteria: Invitae Variant Classification Sherloc (09022015). Collection method: clinical testing. Allele origin: germline.
Comment: This sequence change replaces arginine, which is basic and polar, with lysine, which is basic and polar, at codon 395 of the BAG3 protein (p.Arg395Lys). This variant is present in population databases (rs111787446, gnomAD 0.01%). This variant has not been reported in the literature in individuals affected with BAG3-related conditions. ClinVar contains an entry for this variant (Variation ID: 841454). Invitae Evidence Modeling of protein sequence and biophysical properties (such as structural, functional, and spatial information, amino acid conservation, physicochemical variation, residue mobility, and thermodynamic stability) indicates that this missense variant is not expected to disrupt BAG3 protein function with a negative predictive value of 80%. In summary, the available evidence is currently insufficient to determine the role of this variant in disease. Therefore, it has been classified as a Variant of Uncertain Significance.

Ambry Genetics
Classification: Likely benign for Cardiovascular phenotype. Last evaluated: 2025-06-15. Review status: criteria provided, single submitter. Criteria: Ambry Variant Classification Scheme 2023. Collection method: clinical testing. Allele origin: germline.

Mayo Clinic Laboratories, Mayo Clinic
Classification: Likely benign. Last evaluated: 2025-06-03. Review status: criteria provided, single submitter. Criteria: ACMG Guidelines, 2015. Collection method: clinical testing. Allele origin: germline. Observed: 1 variant allele.
Comment: BS2, BP4_moderate

Revvity Omics, Revvity
Classification: Uncertain significance. Last evaluated: 2025-05-23. Review status: criteria provided, single submitter. Criteria: ACMG Guidelines, 2015. Collection method: clinical testing. Allele origin: germline.